The following is an entry in ClinVar:

ClinVar aggregate classification (germline): Pathogenic. Review status: criteria provided, single submitter (1 of 4 stars). 3 submissions from 3 submitters: Pathogenic (1). 2 of the submissions do not count toward it. Last evaluated 2021-10-21.

Conditions:
Alkaptonuria (AKU). Also called: HOMOGENTISIC ACID OXIDASE DEFICIENCY; Homogentisic acidura; Alkaptonuric ochronosis; Alcaptonuria. Identifiers: Orphanet 56, MedGen C0002066, MONDO:0008753, OMIM 203500.

Submissions (3):

Labcorp Genetics (formerly Invitae), Labcorp
Classification: Pathogenic for Alkaptonuria. Last evaluated: 2021-10-21. Review status: criteria provided, single submitter. Criteria: Invitae Variant Classification Sherloc (09022015). Collection method: clinical testing. Allele origin: germline.
Comment: For these reasons, this variant has been classified as Pathogenic. ClinVar contains an entry for this variant (Variation ID: 371566). This premature translational stop signal has been observed in individual(s) with alkaptonuria (PMID: 25804398). This variant is not present in population databases (ExAC no frequency). This sequence change creates a premature translational stop signal (p.Val324Glyfs*3) in the HGD gene. It is expected to result in an absent or disrupted protein product. Loss-of-function variants in HGD are known to be pathogenic (PMID: 12501223, 19862842).

Counsyl
Classification: Likely pathogenic for Alkaptonuria. Last evaluated: 2016-10-19. Review status: no assertion criteria provided. Collection method: clinical testing. Allele origin: unknown. Not counted in ClinVar's aggregate classification.

Department Of Human Genetics, Institute Of Clinical And Translational Research, Biomedical Research Center, Slovak Academy Of Sciences
Classification: Pathogenic for Alkaptonuria. Review status: no assertion criteria provided. Collection method: research. Allele origin: germline. Inheritance: Autosomal recessive inheritance. Affected: yes. Observed: 2 variant alleles. Not counted in ClinVar's aggregate classification.
Comment: The variant was originally described in AKU patient in PMID:19862842. It has been submitted to the HGD gene mutation database (DB-ID: AKU_00139).

Literature cited by the submitters: PubMed 25804398 (cited by Labcorp Genetics (formerly Invitae), Labcorp and Counsyl); PubMed 12501223 (cited by Labcorp Genetics (formerly Invitae), Labcorp); PubMed 19862842 (cited by Labcorp Genetics (formerly Invitae), Labcorp and Department Of Human Genetics, Institute Of Clinical And Translational Research, Biomedical Research Center, Slovak Academy Of Sciences).

NM_000187.4(HGD):c.970dup (p.Val324fs)

Gene: HGD (homogentisate 1,2-dioxygenase; minus strand). Cytogenetic location: 3q13.33.
Variant type: Duplication.
Coding change: c.970dup on transcript NM_000187.4 (MANE Select); coding-DNA position 970, one base duplicated (G; older notation c.970dupG).
Protein change: p.Val324fs; shifts the reading frame from valine 324.
Molecular consequence: frameshift variant.
Genome position (GRCh38, 1-based): chr3:120,638,491, C duplicated on the plus strand (G on the coding strand, the reverse complement: HGD is on the minus strand); the first of 6 consecutive C bases (chr3:120,638,491-120,638,496); duplicating any one gives the same sequence. VCF-style (leftmost placement, unchanged base first): chr3-120638490-A-AC. GRCh37 (hg19) VCF-style: chr3-120357337-A-AC.
Other names: c.970dupG (NM_000187.3, NM_000187.4); short protein forms V324fs.
Identifiers: ClinVar variation 371566 (VCV000371566.10), dbSNP rs34214309, ClinGen allele CA16040887.
Genomic context (GRCh38, chr3:120,638,490, plus strand): 5'-GTGGCTTGGTAAAAGAGAGACTTACTATGGTAATAAGGAGGCCTGAAGGTCTTATCAGCA[A>AC]CCCCCCATCGAGGTGGGAAGATGACAAAATCAGCAATGGCCACTCCAGGGCGGACAGACT-3'